The following is an entry in ClinVar:

NM_006612.6(KIF1C):c.2108C>G (p.Thr703Arg)

Gene: KIF1C (kinesin family member 1C; plus strand). Cytogenetic location: 17p13.2.
Variant type: single nucleotide variant.
Coding change: c.2108C>G on transcript NM_006612.6 (MANE Select); coding-DNA position 2108, C replaced by G.
Protein change: p.Thr703Arg; replaces threonine 703 with arginine.
Molecular consequence: missense variant.
Genome position (GRCh38, 1-based): chr17:5,022,189, C>G. VCF-style: chr17-5022189-C-G. GRCh37 (hg19) VCF-style: chr17-4925484-C-G.
Other names: short protein forms T703R.
Identifiers: ClinVar variation 4874818 (VCV004874818.2).

ClinVar aggregate classification (germline): Uncertain significance (1 of 4 stars; one submission).

Submission:

CeGaT Center for Human Genetics Tuebingen
Classification: Uncertain significance. Last evaluated: 2026-04-01. Review status: criteria provided, single submitter. Criteria: CeGaT Center For Human Genetics Tuebingen Variant Classification Criteria Version 2. Collection method: clinical testing. Allele origin: germline. Affected: yes. Observed: 1 variant allele.
Comment: KIF1C: PM2